The following is an entry in ClinVar:

NM_000051.4(ATM):c.456G>T (p.Val152=)

Gene: ATM (ATM serine/threonine kinase; plus strand). Cytogenetic location: 11q22.3.
Variant type: single nucleotide variant.
Coding change: c.456G>T on transcript NM_000051.4 (MANE Select); coding-DNA position 456, G replaced by T.
Protein change: p.Val152=; no amino-acid change (valine 152 retained).
Molecular consequence: synonymous variant.
Genome position (GRCh38, 1-based): chr11:108,235,794, G>T. VCF-style: chr11-108235794-G-T. GRCh37 (hg19) VCF-style: chr11-108106521-G-T.
Other names: c.456G>T, p.Val152= (NM_001351834.2).
Identifiers: ClinVar variation 482548 (VCV000482548.18), dbSNP rs1555059433, ClinGen allele CA476670414.

ClinVar aggregate classification (germline): Conflicting classifications of pathogenicity. Review status: criteria provided, conflicting classifications (1 of 4 stars). 5 submissions from 5 submitters: Uncertain significance (2); Benign (1); Likely benign (2). Last evaluated 2025-01-03.

Conditions:
Hereditary cancer-predisposing syndrome. Also called: Hereditary neoplastic syndrome; Neoplastic Syndromes, Hereditary; Tumor predisposition; Hereditary Cancer Syndrome. Identifiers: Orphanet 140162, MedGen C0027672, MeSH D009386, MONDO:0015356.
Familial cancer of breast. Also called: BREAST CANCER, FAMILIAL; Hereditary breast cancer; hereditary breast carcinoma. Identifiers: Orphanet 227535, MedGen C0346153, MONDO:0016419, OMIM 114480. Disease mechanism: loss of function.
Ataxia-telangiectasia syndrome (AT). Also called: LOUIS-BAR SYNDROME; Cerebello-oculocutaneous telangiectasia; Immunodeficiency with ataxia telangiectasia; AT, COMPLEMENTATION GROUP C; Ataxia-telangiectasia, complementation group D; ATAXIA-TELANGIECTASIA, COMPLEMENTATION GROUP A. Identifiers: Orphanet 100, MedGen C0004135, MONDO:0008840, OMIM 208900.

Allele frequency attached by ClinVar (database versions not stated): gnomAD exomes below 0.00001; gnomAD 0.00001.
gnomAD v4.1: 2 of 1,613,770 alleles (0.00012%); highest among the groups gnomAD compares: Non-Finnish European, 0.00017%; no homozygotes.

Submissions (5):

Quest Diagnostics Nichols Institute San Juan Capistrano
Classification: Uncertain significance. Last evaluated: 2025-01-03. Review status: criteria provided, single submitter. Criteria: Quest Diagnostics criteria. Collection method: clinical testing. Allele origin: unknown.

Labcorp Genetics (formerly Invitae), Labcorp
Classification: Likely benign for Ataxia-telangiectasia syndrome. Last evaluated: 2024-06-10. Review status: criteria provided, single submitter. Criteria: Invitae Variant Classification Sherloc (09022015). Collection method: clinical testing. Allele origin: germline.

Myriad Genetics, Inc.
Classification: Benign for Familial cancer of breast. Last evaluated: 2024-04-19. Review status: criteria provided, single submitter. Criteria: Myriad Autosomal Dominant, Autosomal Recessive and X-Linked Classification Criteria (2023). Collection method: clinical testing. Allele origin: unknown.
Comment: This variant is considered benign. This variant is a silent/synonymous amino acid change and it is not expected to impact splicing.

Ambry Genetics
Classification: Uncertain significance for Hereditary cancer-predisposing syndrome. Last evaluated: 2024-02-16. Review status: criteria provided, single submitter. Criteria: Ambry Variant Classification Scheme 2023. Collection method: clinical testing. Allele origin: germline.
Comment: The c.456G>T variant (also known as p.V152V), located in coding exon 4 of the ATM gene, results from a G to T substitution at nucleotide position 456. This nucleotide substitution does not change the at codon 152. This nucleotide position is well conserved through mammals. In silico splice site analysis for this alteration is inconclusive but there is a slight weakening of the native donor site; however, direct evidence is insufficient at this time (Ambry internal data). Based on the available evidence, the clinical significance of this alteration remains unclear.

Color Diagnostics, LLC DBA Color Health
Classification: Likely benign for Hereditary cancer-predisposing syndrome. Last evaluated: 2020-01-28. Review status: criteria provided, single submitter. Criteria: ACMG Guidelines, 2015. Collection method: clinical testing. Allele origin: germline.